The following is an entry in ClinVar:

NM_000101.4(CYBA):c.66del (p.Thr23fs)

Gene: CYBA (cytochrome b-245 alpha chain; minus strand). Cytogenetic location: 16q24.2.
Variant type: Deletion.
Coding change: c.66del on transcript NM_000101.4 (MANE Select); coding-DNA position 66, one base deleted (C; older notation c.66delC).
Protein change: p.Thr23fs; shifts the reading frame from threonine 23.
Molecular consequence: frameshift variant.
Genome position (GRCh38, 1-based): chr16:88,648,107, G deleted on the plus strand (C on the coding strand, the reverse complement: CYBA is on the minus strand). VCF-style (leftmost placement, unchanged base first): chr16-88648106-TG-T. GRCh37 (hg19) VCF-style: chr16-88714514-TG-T.
Other names: short protein forms T23fs.
Identifiers: ClinVar variation 5013662 (VCV005013662.1).

ClinVar aggregate classification (germline): Pathogenic (1 of 4 stars; one submission).

Conditions:
Granulomatous disease, chronic, autosomal recessive, cytochrome b-negative. Also called: CGD DUE TO DEFICIENCY OF THE ALPHA SUBUNIT OF CYTOCHROME b; CGD, AUTOSOMAL RECESSIVE CYTOCHROME b-NEGATIVE; CYBA DEFICIENCY; GRANULOMATOUS DISEASE, CHRONIC, AUTOSOMAL RECESSIVE, 4; Chronic granulomatous disease, autosomal, due to deficiency of CYBA. Identifiers: Orphanet 379, MedGen C1856255, MONDO:0009308, OMIM 233690.

Submission:

Myriad Genetics, Inc.
Classification: Pathogenic for Granulomatous disease, chronic, autosomal recessive, cytochrome b-negative. Last evaluated: 2024-10-21. Review status: criteria provided, single submitter. Criteria: Myriad Autosomal Dominant, Autosomal Recessive and X-Linked Classification Criteria (2023). Collection method: clinical testing. Allele origin: unknown.
Comment: NM_000101.3(CYBA):c.66delC(T23Pfs*51) is expected to be pathogenic in the context of chronic granulomatous disease, CYBA-related. This variant is predicted to lead to an abnormal or absent protein product due to the creation of a premature termination codon in CYBA, a gene where loss-of-function variants are known to be pathogenic. Please note: this variant was assessed in the context of healthy population screening.